The following is an entry in ClinVar:

ClinVar aggregate classification (germline): Conflicting classifications of pathogenicity. Review status: criteria provided, conflicting classifications (1 of 4 stars). 4 submissions from 4 submitters: Uncertain significance (1); Likely benign (3). Last evaluated 2026-01-05.

Conditions:
Developmental and epileptic encephalopathy, 25 (DEE25). Also called: Epileptic encephalopathy, early infantile, 25; Developmental and epileptic encephalopathy 25, with amelogenesis imperfecta; Epileptic encephalopathy, early infantile, 25, with amelogenesis imperfecta. Identifiers: Orphanet 442835, MedGen C4014621, MONDO:0014392, OMIM 615905.

Allele frequency attached by ClinVar (database versions not stated): TOPMed 0.00004; gnomAD 0.00006.

Submissions (5):

Labcorp Genetics (formerly Invitae), Labcorp
Classification: Likely benign for Developmental and epileptic encephalopathy, 25. Last evaluated: 2026-01-05. Review status: criteria provided, single submitter. Criteria: Invitae Variant Classification Sherloc (09022015). Collection method: clinical testing. Allele origin: germline.

Genome-Nilou Lab
Classification: Likely benign for Developmental and epileptic encephalopathy, 25. Last evaluated: 2021-07-15. Review status: criteria provided, single submitter. Criteria: ACMG Guidelines, 2015. Collection method: clinical testing. Allele origin: germline. Affected: no.

GeneDx
Classification: Uncertain significance. Last evaluated: 2020-10-08. Review status: criteria provided, single submitter. Criteria: GeneDx Variant Classification Process June 2021. Collection method: clinical testing. Allele origin: germline. Affected: yes.
Comment: Has not been previously published as pathogenic or benign to our knowledge; In-silico analysis is inconclusive as to whether the variant alters gene splicing. In the absence of RNA/functional studies, the actual effect of this sequence change is unknown.

Genetic Services Laboratory, University of Chicago
Classification: Likely benign. Last evaluated: 2017-02-20. Review status: criteria provided, single submitter. Criteria: ACMG Guidelines, 2015. Collection method: clinical testing. Allele origin: germline. Affected: no.

Dr. Peter K. Rogan Lab, Western University
No classification provided (evidence only). Condition: Colon adenocarcinoma. Review status: no classification provided. Collection method: in vitro. Allele origin: not applicable. Functional consequence: retained intron. Not counted in ClinVar's aggregate classification.

NM_177550.5(SLC13A5):c.714C>T (p.Asn238=)

Gene: SLC13A5 (solute carrier family 13 member 5; minus strand). Cytogenetic location: 17p13.1.
Variant type: single nucleotide variant.
Coding change: c.714C>T on transcript NM_177550.5 (MANE Select); coding-DNA position 714, C replaced by T.
Protein change: p.Asn238=; no amino-acid change (asparagine 238 retained).
Molecular consequence: synonymous variant.
Genome position (GRCh38, 1-based): chr17:6,702,972, G>A on the plus strand (C>T on the coding strand, the complement: SLC13A5 is on the minus strand). VCF-style: chr17-6702972-G-A. GRCh37 (hg19) VCF-style: chr17-6606291-G-A.
Other names: c.714C>T, p.Asn238= (NM_001143838.3); c.663C>T, p.Asn221= (NM_001284509.2); c.585C>T, p.Asn195= (NM_001284510.2).
Identifiers: ClinVar variation 393257 (VCV000393257.20), dbSNP rs754553205, ClinGen allele CA8331638.
Genomic context (GRCh38, chr17:6,702,972, plus strand): 5'-GTCCCTCCAGCCCCGGTACCCACTTCGTTGTCCCCAGAAGGTGCGACCAAGGACTCACTC[G>A]TTCATCTGGCCCAGGAGCACCACGTTGGGTCCCGTCCCGGTCAGGGTGGCGGTGCCCCCG-3'
Protein context (NP_808218.1, residues 228-248): GPNVVLLGQM[Asn238=]ELFPDSKDLV